The following is an entry in ClinVar:

ClinVar aggregate classification (germline): Uncertain significance (1 of 4 stars; one submission).

Conditions:
Cardiovascular phenotype. Identifiers: MedGen CN230736.

gnomAD v4.1: 6 of 1,592,190 alleles (0.00038%); highest among the groups gnomAD compares: Non-Finnish European, 0.00051%; no homozygotes.

Submission:

Ambry Genetics
Classification: Uncertain significance for Cardiovascular phenotype. Last evaluated: 2026-01-17. Review status: criteria provided, single submitter. Criteria: Ambry Variant Classification Scheme 2023. Collection method: clinical testing. Allele origin: germline.
Comment: The p.G1202S variant (also known as c.3604G>A), located in coding exon 24 of the TRPM4 gene, results from a G to A substitution at nucleotide position 3604. The glycine at codon 1202 is replaced by serine, an amino acid with similar properties. This amino acid position is conserved. In addition, this alteration is predicted to be tolerated by in silico analysis. Based on the available evidence, the clinical significance of this variant remains unclear.

NM_017636.4(TRPM4):c.3604G>A (p.Gly1202Ser)

Gene: TRPM4 (transient receptor potential cation channel subfamily M member 4; plus strand). Cytogenetic location: 19q13.33.
Variant type: single nucleotide variant.
Coding change: c.3604G>A on transcript NM_017636.4 (MANE Select); coding-DNA position 3604, G replaced by A.
Protein change: p.Gly1202Ser; replaces glycine 1202 with serine.
Molecular consequence: missense variant.
Genome position (GRCh38, 1-based): chr19:49,211,233, G>A. VCF-style: chr19-49211233-G-A. GRCh37 (hg19) VCF-style: chr19-49714490-G-A.
Other names: c.3169G>A, p.Gly1057Ser (NM_001195227.2); c.3259G>A, p.Gly1087Ser (NM_001321281.2); c.1996G>A, p.Gly666Ser (NM_001321282.2); c.3082G>A, p.Gly1028Ser (NM_001321283.2); c.2542G>A, p.Gly848Ser (NM_001321285.2); short protein forms G1202S, G1087S, G666S, G1028S, G1057S, G848S.
Identifiers: ClinVar variation 4844621 (VCV004844621.1).